The following is an entry in ClinVar:

NM_021072.4(HCN1):c.2248C>G (p.Gln750Glu)

Gene: HCN1 (hyperpolarization activated cyclic nucleotide gated potassium channel 1; minus strand). Cytogenetic location: 5p12.
Variant type: single nucleotide variant.
Coding change: c.2248C>G on transcript NM_021072.4 (MANE Select); coding-DNA position 2248, C replaced by G.
Protein change: p.Gln750Glu; replaces glutamine 750 with glutamic acid.
Molecular consequence: missense variant.
Genome position (GRCh38, 1-based): chr5:45,262,346, G>C on the plus strand (C>G on the coding strand, the complement: HCN1 is on the minus strand). VCF-style: chr5-45262346-G-C. GRCh37 (hg19) VCF-style: chr5-45262448-G-C.
Other names: short protein forms Q750E.
Identifiers: ClinVar variation 2155270 (VCV002155270.2), dbSNP rs764274304, ClinGen allele CA3259141.

ClinVar aggregate classification (germline): Uncertain significance (1 of 4 stars; one submission).

Conditions:
Developmental and epileptic encephalopathy. Identifiers: MedGen C5779964, MONDO:0100620.

Allele frequency attached by ClinVar (database versions not stated): ExAC 0.00001; gnomAD exomes 0.00001.
gnomAD v4.1: 10 of 1,613,208 alleles (0.00062%); highest among the groups gnomAD compares: Non-Finnish European, 0.00085%; no homozygotes.

Submission:

Labcorp Genetics (formerly Invitae), Labcorp
Classification: Uncertain significance for Early-infantile DEE. Last evaluated: 2022-04-28. Review status: criteria provided, single submitter. Criteria: Invitae Variant Classification Sherloc (09022015). Collection method: clinical testing. Allele origin: germline.
Comment: This sequence change replaces glutamine, which is neutral and polar, with glutamic acid, which is acidic and polar, at codon 750 of the HCN1 protein (p.Gln750Glu). This variant is present in population databases (rs764274304, gnomAD 0.0009%). This variant has not been reported in the literature in individuals affected with HCN1-related conditions. Advanced modeling of protein sequence and biophysical properties (such as structural, functional, and spatial information, amino acid conservation, physicochemical variation, residue mobility, and thermodynamic stability) performed at Invitae indicates that this missense variant is not expected to disrupt HCN1 protein function. In summary, the available evidence is currently insufficient to determine the role of this variant in disease. Therefore, it has been classified as a Variant of Uncertain Significance.